The following is an entry in ClinVar:

NM_015072.5(TTLL5):c.1409G>A (p.Arg470Gln)

Gene: TTLL5 (tubulin tyrosine ligase like 5; plus strand). Cytogenetic location: 14q24.3.
Variant type: single nucleotide variant.
Coding change: c.1409G>A on transcript NM_015072.5 (MANE Select); coding-DNA position 1409, G replaced by A.
Protein change: p.Arg470Gln; replaces arginine 470 with glutamine.
Molecular consequence: missense variant.
Genome position (GRCh38, 1-based): chr14:75,745,503, G>A. VCF-style: chr14-75745503-G-A. GRCh37 (hg19) VCF-style: chr14-76211846-G-A.
Other names: c.1409G>A (NM_015072.4); short protein forms R470Q.
Identifiers: ClinVar variation 1015282 (VCV001015282.6), dbSNP rs368557430, ClinGen allele CA7279382.
Genomic context (GRCh38, chr14:75,745,503, plus strand): 5'-CTCCGGTTTTCAAAATAGGTACTCATTTTATCTTATTTTTCATCTAGATCAAAGTTTTAC[G>A]AAGGGTGAAGGAGGAGAATGATCGGCGAGGTGGATTTATTCGCATATTTCCTACATCTGA-3'
Protein context (NP_055887.3, residues 460-480): GLSMEEIKVL[Arg470Gln]RVKEENDRRG

ClinVar aggregate classification (germline): Uncertain significance. Review status: criteria provided, single submitter (1 of 4 stars). 2 submissions from 2 submitters: Uncertain significance (1). 1 of the submissions does not count toward it. Last evaluated 2023-08-10.

Conditions:
TTLL5-related disorder. Also called: TTLL5-related condition.

Allele frequency attached by ClinVar (database versions not stated): gnomAD exomes 0.00002 and 0.00004; ExAC 0.00004; TOPMed 0.00010; gnomAD 0.00011 and 0.00013; ESP Exome Variant Server 0.00015; 1000 Genomes Project 30x 0.00016; 1000 Genomes Project 0.00020.
gnomAD v4.1: 50 of 1,613,796 alleles (0.0031%); highest among the groups gnomAD compares: African/African-American, 0.033%; no homozygotes.

Submissions (2):

Labcorp Genetics (formerly Invitae), Labcorp
Classification: Uncertain significance. Last evaluated: 2023-08-10. Review status: criteria provided, single submitter. Criteria: Invitae Variant Classification Sherloc (09022015). Collection method: clinical testing. Allele origin: germline.
Comment: This sequence change replaces arginine, which is basic and polar, with glutamine, which is neutral and polar, at codon 470 of the TTLL5 protein (p.Arg470Gln). This variant is present in population databases (rs368557430, gnomAD 0.05%). This variant has not been reported in the literature in individuals affected with TTLL5-related conditions. ClinVar contains an entry for this variant (Variation ID: 1015282). Advanced modeling of protein sequence and biophysical properties (such as structural, functional, and spatial information, amino acid conservation, physicochemical variation, residue mobility, and thermodynamic stability) performed at Invitae indicates that this missense variant is not expected to disrupt TTLL5 protein function. In summary, the available evidence is currently insufficient to determine the role of this variant in disease. Therefore, it has been classified as a Variant of Uncertain Significance.

PreventionGenetics, part of Exact Sciences
Classification: Uncertain significance for TTLL5-related condition. Last evaluated: 2024-09-20. Review status: no assertion criteria provided. Collection method: clinical testing. Allele origin: germline. Not counted in ClinVar's aggregate classification.
Comment: The TTLL5 c.1409G>A variant is predicted to result in the amino acid substitution p.Arg470Gln. To our knowledge, this variant has not been reported in the literature. This variant is reported in 0.040% of alleles in individuals of African descent in gnomAD. At this time, the clinical significance of this variant is uncertain due to the absence of conclusive functional and genetic evidence.